The following is an entry in ClinVar:

ClinVar aggregate classification (germline): Uncertain significance. Review status: criteria provided, multiple submitters, no conflicts (2 of 4 stars). 3 submissions from 3 submitters: Uncertain significance (3). Last evaluated 2025-07-31.

Conditions:
Cardiovascular phenotype. Identifiers: MedGen CN230736.
Hereditary cancer-predisposing syndrome. Also called: Hereditary neoplastic syndrome; Neoplastic Syndromes, Hereditary; Tumor predisposition; Hereditary Cancer Syndrome. Identifiers: Orphanet 140162, MedGen C0027672, MeSH D009386, MONDO:0015356.
Neurofibromatosis, type 1 (NF1). Also called: VON RECKLINGHAUSEN DISEASE; Peripheral type neurofibromatosis; NEUROFIBROMATOSIS, TYPE I, SOMATIC; Neurofibromatosis, type I. Identifiers: Orphanet 636, MedGen C0027831, MONDO:0018975, OMIM 162200. Disease mechanism: loss of function.

Submissions (3):

Labcorp Genetics (formerly Invitae), Labcorp
Classification: Uncertain significance for Neurofibromatosis, type 1. Last evaluated: 2025-07-31. Review status: criteria provided, single submitter. Criteria: Invitae Variant Classification Sherloc (09022015). Collection method: clinical testing. Allele origin: germline.
Comment: This sequence change replaces leucine, which is neutral and non-polar, with valine, which is neutral and non-polar, at codon 303 of the NF1 protein (p.Leu303Val). This variant is not present in population databases (gnomAD no frequency). This variant has not been reported in the literature in individuals affected with NF1-related conditions. ClinVar contains an entry for this variant (Variation ID: 481935). Invitae Evidence Modeling of protein sequence and biophysical properties (such as structural, functional, and spatial information, amino acid conservation, physicochemical variation, residue mobility, and thermodynamic stability) indicates that this missense variant is not expected to disrupt NF1 protein function with a negative predictive value of 95%. This variant disrupts the p.Leu303 amino acid residue in NF1. Other variant(s) that disrupt this residue have been determined to be pathogenic (PMID: 16787982, 27716896). This suggests that this residue is clinically significant, and that variants that disrupt this residue are likely to be disease-causing. In summary, the available evidence is currently insufficient to determine the role of this variant in disease. Therefore, it has been classified as a Variant of Uncertain Significance.

Ambry Genetics
Classification: Uncertain significance for Cardiovascular phenotype; Hereditary cancer-predisposing syndrome. Last evaluated: 2025-06-30. Review status: criteria provided, single submitter. Criteria: Ambry Variant Classification Scheme 2023. Collection method: clinical testing. Allele origin: germline.
Comment: The p.L303V variant (also known as c.907C>G), located in coding exon 9 of the NF1 gene, results from a C to G substitution at nucleotide position 907. The leucine at codon 303 is replaced by valine, an amino acid with highly similar properties. This amino acid position is highly conserved in available vertebrate species. In addition, the in silico prediction for this alteration is inconclusive. Since supporting evidence is limited at this time, the clinical significance of this alteration remains unclear.

Genome-Nilou Lab
Classification: Uncertain significance for Neurofibromatosis, type 1. Last evaluated: 2022-03-15. Review status: criteria provided, single submitter. Criteria: ACMG Guidelines, 2015. Collection method: clinical testing. Allele origin: germline. Affected: no.

Literature cited by the submitters: PubMed 16787982 (cited by Labcorp Genetics (formerly Invitae), Labcorp); PubMed 27716896 (cited by Labcorp Genetics (formerly Invitae), Labcorp).

NM_001042492.3(NF1):c.907C>G (p.Leu303Val)

Gene: NF1 (neurofibromin 1; plus strand). Cytogenetic location: 17q11.2.
Variant type: single nucleotide variant.
Coding change: c.907C>G on transcript NM_001042492.3 (MANE Select); coding-DNA position 907, C replaced by G.
Protein change: p.Leu303Val; replaces leucine 303 with valine.
Molecular consequence: missense variant.
Genome position (GRCh38, 1-based): chr17:31,200,440, C>G. VCF-style: chr17-31200440-C-G. GRCh37 (hg19) VCF-style: chr17-29527458-C-G.
Other names: c.907C>G, p.Leu303Val (NM_000267.4, NM_001128147.3); short protein forms L303V.
Identifiers: ClinVar variation 481935 (VCV000481935.14), dbSNP rs1555610847, ClinGen allele CA398995563.